The following is an entry in ClinVar:

NM_001278116.2(L1CAM):c.1977T>C (p.Pro659=)

Gene: L1CAM (L1 cell adhesion molecule; minus strand). Cytogenetic location: Xq28.
Variant type: single nucleotide variant.
Coding change: c.1977T>C on transcript NM_001278116.2 (MANE Select); coding-DNA position 1977, T replaced by C.
Protein change: p.Pro659=; no amino-acid change (proline 659 retained).
Molecular consequence: synonymous variant.
Genome position (GRCh38, 1-based): chrX:153,867,516, A>G on the plus strand (T>C on the coding strand, the complement: L1CAM is on the minus strand). VCF-style: chrX-153867516-A-G. GRCh37 (hg19) VCF-style: chrX-153132971-A-G.
Other names: c.1977T>C, p.Pro659= (NM_000425.5, NM_024003.3); c.1962T>C, p.Pro654= (NM_001143963.2).
Identifiers: ClinVar variation 167233 (VCV000167233.30), dbSNP rs143382184, ClinGen allele CA180146.

ClinVar aggregate classification (germline): Benign/Likely benign. Review status: criteria provided, multiple submitters, no conflicts (2 of 4 stars). 8 submissions from 8 submitters: Benign (6); Likely benign (1). 1 of the submissions does not count toward it. Last evaluated 2026-02-02.

Conditions:
L1CAM-related disorder. Also called: L1CAM-related condition.
Inborn genetic diseases. Identifiers: MedGen C0950123, MeSH D030342.
Spastic paraplegia. Identifiers: MedGen C0037772, HP:0001258.
Hereditary spastic paraplegia. Also called: Familial spastic paraparesis. Identifiers: Orphanet 685, MedGen C0037773, MONDO:0019064. Disease mechanism: loss of function.

Allele frequency attached by ClinVar (database versions not stated): ExAC 0.00318; gnomAD 0.00854 and 0.00800; 1000 Genomes Project 30x 0.00770; TOPMed 0.00916; 1000 Genomes Project 0.00715; ESP Exome Variant Server 0.01013.
gnomAD v4.1: 1,897 of 1,209,776 alleles (0.16%); highest among the groups gnomAD compares: African/African-American, 2.8%; 24 homozygotes.

Submissions (8):

Labcorp Genetics (formerly Invitae), Labcorp
Classification: Benign for Spastic paraplegia. Last evaluated: 2026-02-02. Review status: criteria provided, single submitter. Criteria: Invitae Variant Classification Sherloc (09022015). Collection method: clinical testing. Allele origin: germline.

Athena Diagnostics
Classification: Benign. Last evaluated: 2024-06-25. Review status: criteria provided, single submitter. Criteria: Athena Diagnostics Criteria. Collection method: clinical testing. Allele origin: unknown.

Ambry Genetics
Classification: Benign for Inborn genetic diseases. Last evaluated: 2019-06-17. Review status: criteria provided, single submitter. Criteria: Ambry Variant Classification Scheme 2023. Collection method: clinical testing. Allele origin: germline.

Genome Diagnostics Laboratory, The Hospital for Sick Children
Classification: Likely benign for Hereditary spastic paraplegia. Last evaluated: 2016-12-12. Review status: criteria provided, single submitter. Criteria: ACMG Guidelines, 2015. Collection method: clinical testing. Allele origin: germline. Affected: yes.

GeneDx
Classification: Benign. Last evaluated: 2015-03-03. Review status: criteria provided, single submitter. Criteria: GeneDx Variant Classification Process June 2021. Collection method: clinical testing. Allele origin: germline. Affected: yes.

Eurofins Ntd Llc (ga)
Classification: Benign. Last evaluated: 2014-04-07. Review status: criteria provided, single submitter. Criteria: EGL Classification Definitions 2015. Collection method: clinical testing. Allele origin: germline. Observed: 1 variant allele, 1 hemizygote.

Genetic Services Laboratory, University of Chicago
Classification: Benign. Last evaluated: 2013-08-01. Review status: criteria provided, single submitter. Criteria: ACMG Guidelines, 2007. Collection method: clinical testing. Allele origin: germline.

PreventionGenetics, part of Exact Sciences
Classification: Benign for L1CAM-related condition. Last evaluated: 2019-04-17. Review status: no assertion criteria provided. Collection method: clinical testing. Allele origin: germline. Not counted in ClinVar's aggregate classification.
Comment: This variant is classified as benign based on ACMG/AMP sequence variant interpretation guidelines (Richards et al. 2015 PMID: 25741868, with internal and published modifications).

Literature cited by the submitters: PubMed 19846429 (cited by Athena Diagnostics).